The following is an entry in ClinVar:

NM_052876.4(NACC1):c.86A>G (p.Tyr29Cys)

Gene: NACC1 (nucleus accumbens associated 1; plus strand). Cytogenetic location: 19p13.13.
Variant type: single nucleotide variant.
Coding change: c.86A>G on transcript NM_052876.4 (MANE Select); coding-DNA position 86, A replaced by G.
Protein change: p.Tyr29Cys; replaces tyrosine 29 with cysteine.
Molecular consequence: missense variant.
Genome position (GRCh38, 1-based): chr19:13,135,293, A>G. VCF-style: chr19-13135293-A-G. GRCh37 (hg19) VCF-style: chr19-13246107-A-G.
Other names: short protein forms Y29C.
Identifiers: ClinVar variation 1400418 (VCV001400418.6), dbSNP rs2145622978, ClinGen allele CA404324186.

ClinVar aggregate classification (germline): Uncertain significance (1 of 4 stars; one submission).

Submission:

Labcorp Genetics (formerly Invitae), Labcorp
Classification: Uncertain significance. Last evaluated: 2021-07-31. Review status: criteria provided, single submitter. Criteria: Invitae Variant Classification Sherloc (09022015). Collection method: clinical testing. Allele origin: germline.
Comment: In summary, the available evidence is currently insufficient to determine the role of this variant in disease. Therefore, it has been classified as a Variant of Uncertain Significance. Algorithms developed to predict the effect of missense changes on protein structure and function (SIFT, PolyPhen-2, Align-GVGD) all suggest that this variant is likely to be disruptive. This variant has not been reported in the literature in individuals affected with NACC1-related conditions. This variant is not present in population databases (ExAC no frequency). This sequence change replaces tyrosine with cysteine at codon 29 of the NACC1 protein (p.Tyr29Cys). The tyrosine residue is highly conserved and there is a large physicochemical difference between tyrosine and cysteine.